The following is an entry in ClinVar:

NM_015338.6(ASXL1):c.748A>G (p.Ile250Val)

Gene: ASXL1 (ASXL transcriptional regulator 1; plus strand). Cytogenetic location: 20q11.21.
Variant type: single nucleotide variant.
Coding change: c.748A>G on transcript NM_015338.6 (MANE Select); coding-DNA position 748, A replaced by G.
Protein change: p.Ile250Val; replaces isoleucine 250 with valine.
Molecular consequence: missense variant.
Genome position (GRCh38, 1-based): chr20:32,431,350, A>G. VCF-style: chr20-32431350-A-G. GRCh37 (hg19) VCF-style: chr20-31019153-A-G.
Other names: c.565A>G, p.Ile189Val (NM_001363734.1); c.748A>G (NM_015338.5); short protein forms I189V, I250V.
Identifiers: ClinVar variation 1433342 (VCV001433342.9), dbSNP rs1478523808, ClinGen allele CA408553475.

ClinVar aggregate classification (germline): Conflicting classifications of pathogenicity. Review status: criteria provided, conflicting classifications (1 of 4 stars). 2 submissions from 2 submitters: Uncertain significance (1); Likely benign (1). Last evaluated 2024-11-23.

Conditions:
Inborn genetic diseases. Identifiers: MedGen C0950123, MeSH D030342.

Allele frequency attached by ClinVar (database versions not stated): gnomAD exomes 0.00001.
gnomAD v4.1: 5 of 1,614,190 alleles (0.00031%); highest among the groups gnomAD compares: South Asian, 0.0011%; no homozygotes.

Submissions (2):

Ambry Genetics
Classification: Likely benign for Inborn genetic diseases. Last evaluated: 2024-11-23. Review status: criteria provided, single submitter. Criteria: Ambry Variant Classification Scheme 2023. Collection method: clinical testing. Allele origin: germline.

Labcorp Genetics (formerly Invitae), Labcorp
Classification: Uncertain significance. Last evaluated: 2024-10-29. Review status: criteria provided, single submitter. Criteria: Invitae Variant Classification Sherloc (09022015). Collection method: clinical testing. Allele origin: germline.
Comment: This sequence change replaces isoleucine, which is neutral and non-polar, with valine, which is neutral and non-polar, at codon 250 of the ASXL1 protein (p.Ile250Val). This variant is present in population databases (no rsID available, gnomAD 0.002%). This variant has not been reported in the literature in individuals affected with ASXL1-related conditions. ClinVar contains an entry for this variant (Variation ID: 1433342). An algorithm developed to predict the effect of missense changes on protein structure and function outputs the following: PolyPhen-2: "Benign". The valine amino acid residue is found in multiple mammalian species, which suggests that this missense change does not adversely affect protein function. In summary, the available evidence is currently insufficient to determine the role of this variant in disease. Therefore, it has been classified as a Variant of Uncertain Significance.